The following is an entry in ClinVar:

NM_130839.5(UBE3A):c.1001G>A (p.Arg334Gln)

Genes: SNHG14 (small nucleolar RNA host gene 14; plus strand), UBE3A (ubiquitin protein ligase E3A; minus strand). Cytogenetic location: 15q11.2.
Variant type: single nucleotide variant.
Coding change: c.1001G>A on transcript NM_130839.5 (MANE Select); coding-DNA position 1001, G replaced by A.
Protein change: p.Arg334Gln; replaces arginine 334 with glutamine.
Molecular consequence: missense variant. On other transcripts: non-coding transcript variant (1), intron variant (2).
Genome position (GRCh38, 1-based): chr15:25,371,173, C>T on the plus strand (G>A on the coding strand, the complement: UBE3A is on the minus strand). VCF-style: chr15-25371173-C-T. GRCh37 (hg19) VCF-style: chr15-25616320-C-T.
Other names: c.301+4292G>A (NM_001354551.2); c.361+4292G>A (NM_001354550.2); c.1010G>A, p.Arg337Gln (NM_000462.5); c.1001G>A, p.Arg334Gln (NM_001354505.1, NM_001354538.2, NM_001354545.2); c.941G>A, p.Arg314Gln (NM_001354506.2, NM_001354507.2, NM_001354508.2 and 17 more transcripts); c.824G>A, p.Arg275Gln (NM_001354546.2); short protein forms R275Q, R314Q, R337Q, R334Q.
Identifiers: ClinVar variation 2752866 (VCV002752866.5), dbSNP rs1384065874, ClinGen allele CA391354589.

ClinVar aggregate classification (germline): Uncertain significance. Review status: criteria provided, multiple submitters, no conflicts (2 of 4 stars). 3 submissions from 3 submitters: Uncertain significance (3). Last evaluated 2026-09-01.

Conditions:
Angelman syndrome (AS). Also called: HAPPY PUPPET SYNDROME. Identifiers: Orphanet 72, MedGen C0162635, MONDO:0007113, OMIM 105830. Disease mechanism: loss of function. Inheritance: imprinting disorder, AS is caused by disruption of maternally imprinted UBE3A located within the 15q11.2-q13 Angelman syndrome/Prader-Willi syndrome (AS/PWS) region..
Inborn genetic diseases. Identifiers: MedGen C0950123, MeSH D030342.

Allele frequency attached by ClinVar (database versions not stated): gnomAD exomes below 0.00001; TOPMed below 0.00001.
gnomAD v4.1: 6 of 1,614,062 alleles (0.00037%); highest among the groups gnomAD compares: African/African-American, 0.0013%; no homozygotes.

Submissions (3):

CeGaT Center for Human Genetics Tuebingen
Classification: Uncertain significance. Last evaluated: 2026-09-01. Review status: criteria provided, single submitter. Criteria: CeGaT Center For Human Genetics Tuebingen Variant Classification Criteria Version 2. Collection method: clinical testing. Allele origin: germline. Affected: yes. Observed: 1 variant allele.
Comment: UBE3A: PM5, BP4

Ambry Genetics
Classification: Uncertain significance for Inborn genetic diseases. Last evaluated: 2024-04-01. Review status: criteria provided, single submitter. Criteria: Ambry Variant Classification Scheme 2023. Collection method: clinical testing. Allele origin: germline.

Labcorp Genetics (formerly Invitae), Labcorp
Classification: Uncertain significance for Angelman syndrome. Last evaluated: 2023-10-13. Review status: criteria provided, single submitter. Criteria: Invitae Variant Classification Sherloc (09022015). Collection method: clinical testing. Allele origin: germline.
Comment: This sequence change replaces arginine, which is basic and polar, with glutamine, which is neutral and polar, at codon 314 of the UBE3A protein (p.Arg314Gln). This variant is present in population databases (no rsID available, gnomAD 0.003%). This variant has not been reported in the literature in individuals affected with UBE3A-related conditions. Advanced modeling of protein sequence and biophysical properties (such as structural, functional, and spatial information, amino acid conservation, physicochemical variation, residue mobility, and thermodynamic stability) has been performed at Invitae for this missense variant, however the output from this modeling did not meet the statistical confidence thresholds required to predict the impact of this variant on UBE3A protein function. In summary, the available evidence is currently insufficient to determine the role of this variant in disease. Therefore, it has been classified as a Variant of Uncertain Significance.